The following is an entry in ClinVar:

ClinVar aggregate classification (germline): Uncertain significance (1 of 4 stars; one submission).

Allele frequency attached by ClinVar (database versions not stated): gnomAD exomes below 0.00001; ExAC 0.00001.
gnomAD v4.1: 1 of 1,613,730 alleles (0.000062%); highest among the groups gnomAD compares: South Asian, 0.0011%; no homozygotes.

Submission:

Labcorp Genetics (formerly Invitae), Labcorp
Classification: Uncertain significance. Last evaluated: 2021-10-29. Review status: criteria provided, single submitter. Criteria: Invitae Variant Classification Sherloc (09022015). Collection method: clinical testing. Allele origin: germline.
Comment: In summary, the available evidence is currently insufficient to determine the role of this variant in disease. Therefore, it has been classified as a Variant of Uncertain Significance. This sequence change replaces threonine, which is neutral and polar, with isoleucine, which is neutral and non-polar, at codon 283 of the RTN4IP1 protein (p.Thr283Ile). This variant is present in population databases (rs747495310, gnomAD 0.003%). This variant has not been reported in the literature in individuals affected with RTN4IP1-related conditions. Algorithms developed to predict the effect of missense changes on protein structure and function (SIFT, PolyPhen-2, Align-GVGD) all suggest that this variant is likely to be tolerated.

NM_032730.5(RTN4IP1):c.848C>T (p.Thr283Ile)

Gene: RTN4IP1 (reticulon 4 interacting protein 1; minus strand). Cytogenetic location: 6q21.
Variant type: single nucleotide variant.
Coding change: c.848C>T on transcript NM_032730.5 (MANE Select); coding-DNA position 848, C replaced by T.
Protein change: p.Thr283Ile; replaces threonine 283 with isoleucine.
Molecular consequence: missense variant.
Genome position (GRCh38, 1-based): chr6:106,587,821, G>A on the plus strand (C>T on the coding strand, the complement: RTN4IP1 is on the minus strand). VCF-style: chr6-106587821-G-A. GRCh37 (hg19) VCF-style: chr6-107035696-G-A.
Other names: c.548C>T, p.Thr183Ile (NM_001318746.1); short protein forms T183I, T283I.
Identifiers: ClinVar variation 1353568 (VCV001353568.6), dbSNP rs747495310, ClinGen allele CA3944343.